The following is an entry in ClinVar:

NM_015466.4(PTPN23):c.2981C>G (p.Pro994Arg)

Gene: PTPN23 (protein tyrosine phosphatase non-receptor type 23; plus strand). Cytogenetic location: 3p21.31.
Variant type: single nucleotide variant.
Coding change: c.2981C>G on transcript NM_015466.4 (MANE Select); coding-DNA position 2981, C replaced by G.
Protein change: p.Pro994Arg; replaces proline 994 with arginine.
Molecular consequence: missense variant.
Genome position (GRCh38, 1-based): chr3:47,410,779, C>G. VCF-style: chr3-47410779-C-G. GRCh37 (hg19) VCF-style: chr3-47452269-C-G.
Other names: c.2603C>G, p.Pro868Arg (NM_001304482.2); short protein forms P868R, P994R.
Identifiers: ClinVar variation 2069495 (VCV002069495.4), dbSNP rs748368352, ClinGen allele CA2366162.
Genomic context (GRCh38, chr3:47,410,779, plus strand): 5'-AGCCCCTTCCACTCCAGCATCCACATCTCTTCCCACCCCAGGCCCCAGGACTCCTACCCC[C>G]ACAATCCCCCTACCCCTATGCCCCTCAGCCTGGGGTCCTGGGGCAGCCGCCACCCCCCCT-3'
Protein context (NP_056281.1, residues 984-1004): FPPQAPGLLP[Pro994Arg]QSPYPYAPQP

ClinVar aggregate classification (germline): Uncertain significance (1 of 4 stars; one submission).

Allele frequency attached by ClinVar (database versions not stated): TOPMed below 0.00001.
gnomAD v4.1: 10 of 1,565,594 alleles (0.00064%); highest among the groups gnomAD compares: Non-Finnish European, 0.00087%; no homozygotes.

Submission:

Labcorp Genetics (formerly Invitae), Labcorp
Classification: Uncertain significance. Last evaluated: 2022-02-26. Review status: criteria provided, single submitter. Criteria: Invitae Variant Classification Sherloc (09022015). Collection method: clinical testing. Allele origin: germline.
Comment: In summary, the available evidence is currently insufficient to determine the role of this variant in disease. Therefore, it has been classified as a Variant of Uncertain Significance. Algorithms developed to predict the effect of missense changes on protein structure and function are either unavailable or do not agree on the potential impact of this missense change (SIFT: "Tolerated"; PolyPhen-2: "Not Available"; Align-GVGD: "Class C0"). This variant has not been reported in the literature in individuals affected with PTPN23-related conditions. This variant is not present in population databases (gnomAD no frequency). This sequence change replaces proline, which is neutral and non-polar, with arginine, which is basic and polar, at codon 994 of the PTPN23 protein (p.Pro994Arg).